The following is an entry in ClinVar:

NM_015450.3(POT1):c.1392C>A (p.Cys464Ter)

Gene: POT1 (protection of telomeres 1; minus strand). Cytogenetic location: 7q31.33.
Variant type: single nucleotide variant.
Coding change: c.1392C>A on transcript NM_015450.3 (MANE Select); coding-DNA position 1392, C replaced by A.
Protein change: p.Cys464Ter; replaces cysteine 464 with a stop codon.
Molecular consequence: nonsense. On other transcripts: non-coding transcript variant (3).
Genome position (GRCh38, 1-based): chr7:124,835,392, G>T on the plus strand (C>A on the coding strand, the complement: POT1 is on the minus strand). VCF-style: chr7-124835392-G-T. GRCh37 (hg19) VCF-style: chr7-124475446-G-T.
Other names: c.999C>A, p.Cys333Ter (NM_001042594.2); short protein forms C464*, C333*.
Identifiers: ClinVar variation 3659474 (VCV003659474.2).

ClinVar aggregate classification (germline): Pathogenic (1 of 4 stars; one submission).

Conditions:
Tumor predisposition syndrome 3 (TPDS3). Also called: Melanoma, cutaneous malignant, susceptibility to, 10; Glioma susceptibility 9; LONG TELOMERE SYNDROME, POT1-RELATED; POT1 Tumor Predisposition. Identifiers: Orphanet 618, MedGen C4014476, MONDO:0014368, OMIM 615848.

Submission:

Labcorp Genetics (formerly Invitae), Labcorp
Classification: Pathogenic for Tumor predisposition syndrome 3. Last evaluated: 2024-07-13. Review status: criteria provided, single submitter. Criteria: Invitae Variant Classification Sherloc (09022015). Collection method: clinical testing. Allele origin: germline.
Comment: This sequence change creates a premature translational stop signal (p.Cys464*) in the POT1 gene. It is expected to result in an absent or disrupted protein product. Loss-of-function variants in POT1 are known to be pathogenic (PMID: 32155570). This variant is not present in population databases (gnomAD no frequency). This variant has not been reported in the literature in individuals affected with POT1-related conditions. For these reasons, this variant has been classified as Pathogenic.

Literature cited by the submitters: PubMed 32155570.